The following is an entry in ClinVar:

NM_016169.4(SUFU):c.756+3A>G

Gene: SUFU (SUFU negative regulator of hedgehog signaling; plus strand). Cytogenetic location: 10q24.32.
Variant type: single nucleotide variant.
Coding change: c.756+3A>G on transcript NM_016169.4 (MANE Select); 3 bases into the intron after coding-DNA position 756, A replaced by G.
Molecular consequence: intron variant.
Genome position (GRCh38, 1-based): chr10:102,594,068, A>G. VCF-style: chr10-102594068-A-G. GRCh37 (hg19) VCF-style: chr10-104353825-A-G.
Other names: c.756+3A>G (NM_001178133.2).
Identifiers: ClinVar variation 3226891 (VCV003226891.1), dbSNP rs2135872631, ClinGen allele CA2610695860.

ClinVar aggregate classification (germline): Uncertain significance (1 of 4 stars; one submission).

Conditions:
Hereditary cancer-predisposing syndrome. Also called: Neoplastic Syndromes, Hereditary; Tumor predisposition; Hereditary neoplastic syndrome; Hereditary Cancer Syndrome. Identifiers: Orphanet 140162, MedGen C0027672, MeSH D009386, MONDO:0015356.

Allele frequency attached by ClinVar (database versions not stated): gnomAD exomes below 0.00001.
gnomAD v4.1: 1 of 1,614,050 alleles (0.000062%); highest among the groups gnomAD compares: Non-Finnish European, 0.000085%; no homozygotes.

Submission:

Ambry Genetics
Classification: Uncertain significance for Hereditary cancer-predisposing syndrome. Last evaluated: 2024-02-16. Review status: criteria provided, single submitter. Criteria: Ambry Variant Classification Scheme 2023. Collection method: clinical testing. Allele origin: germline.
Comment: The c.756+3A>G intronic variant results from an A to G substitution 3 nucleotides after coding exon 6 in the SUFU gene. This nucleotide position is highly conserved in available vertebrate species. In silico splice site analysis predicts that this alteration will weaken the native splice donor site; however, direct evidence is insufficient at this time (Ambry internal data). Based on the available evidence, the clinical significance of this alteration remains unclear.